The following is an entry in ClinVar:

NM_003240.5(LEFTY2):c.1078G>A (p.Val360Met)

Gene: LEFTY2 (left-right determination factor 2; minus strand). Cytogenetic location: 1q42.12.
Variant type: single nucleotide variant.
Coding change: c.1078G>A on transcript NM_003240.5 (MANE Select); coding-DNA position 1078, G replaced by A.
Protein change: p.Val360Met; replaces valine 360 with methionine.
Molecular consequence: missense variant.
Genome position (GRCh38, 1-based): chr1:225,937,464, C>T on the plus strand (G>A on the coding strand, the complement: LEFTY2 is on the minus strand). VCF-style: chr1-225937464-C-T. GRCh37 (hg19) VCF-style: chr1-226125164-C-T.
Other names: c.976G>A, p.Val326Met (NM_001172425.3); short protein forms V326M, V360M.
Identifiers: ClinVar variation 3672739 (VCV003672739.2).

ClinVar aggregate classification (germline): Uncertain significance (1 of 4 stars; one submission).

Conditions:
Left-right axis malformations. Identifiers: MedGen C1866091.

Submission:

Labcorp Genetics (formerly Invitae), Labcorp
Classification: Uncertain significance for Left-right axis malformations. Last evaluated: 2026-01-12. Review status: criteria provided, single submitter. Criteria: Invitae Variant Classification Sherloc (09022015). Collection method: clinical testing. Allele origin: germline.
Comment: This sequence change replaces valine, which is neutral and non-polar, with methionine, which is neutral and non-polar, at codon 360 of the LEFTY2 protein (p.Val360Met). This variant is present in population databases (rs113071219, gnomAD 0.01%). This variant has not been reported in the literature in individuals affected with LEFTY2-related conditions. ClinVar contains an entry for this variant (Variation ID: 3672739). An algorithm developed to predict the effect of missense changes on protein structure and function (PolyPhen-2) suggests that this variant is likely to be disruptive. In summary, the available evidence is currently insufficient to determine the role of this variant in disease. Therefore, it has been classified as a Variant of Uncertain Significance.